The following is an entry in ClinVar:

ClinVar aggregate classification (germline): Uncertain significance (1 of 4 stars; one submission).

Conditions:
Hereditary cancer-predisposing syndrome. Also called: Neoplastic Syndromes, Hereditary; Hereditary Cancer Syndrome; Hereditary neoplastic syndrome; Tumor predisposition. Identifiers: Orphanet 140162, MedGen C0027672, MeSH D009386, MONDO:0015356.

Submission:

Labcorp Genetics (formerly Invitae), Labcorp
Classification: Uncertain significance for Hereditary cancer-predisposing syndrome. Last evaluated: 2023-04-12. Review status: criteria provided, single submitter. Criteria: Invitae Variant Classification Sherloc (09022015). Collection method: clinical testing. Allele origin: germline.
Comment: In summary, the available evidence is currently insufficient to determine the role of this variant in disease. Therefore, it has been classified as a Variant of Uncertain Significance. Advanced modeling of protein sequence and biophysical properties (such as structural, functional, and spatial information, amino acid conservation, physicochemical variation, residue mobility, and thermodynamic stability) performed at Invitae indicates that this missense variant is not expected to disrupt RAD50 protein function. This variant has not been reported in the literature in individuals affected with RAD50-related conditions. This variant is present in population databases (no rsID available, gnomAD 0.006%). This sequence change replaces aspartic acid, which is acidic and polar, with alanine, which is neutral and non-polar, at codon 276 of the RAD50 protein (p.Asp276Ala).

NM_005732.4(RAD50):c.827A>C (p.Asp276Ala)

Gene: RAD50 (RAD50 double strand break repair protein; plus strand). Cytogenetic location: 5q31.1.
Variant type: single nucleotide variant.
Coding change: c.827A>C on transcript NM_005732.4 (MANE Select); coding-DNA position 827, A replaced by C.
Protein change: p.Asp276Ala; replaces aspartic acid 276 with alanine.
Molecular consequence: missense variant.
Genome position (GRCh38, 1-based): chr5:132,587,632, A>C. VCF-style: chr5-132587632-A-C. GRCh37 (hg19) VCF-style: chr5-131923324-A-C.
Other names: short protein forms D276A.
Identifiers: ClinVar variation 2869566 (VCV002869566.3), dbSNP rs1219033851, ClinGen allele CA360940263.
Genomic context (GRCh38, chr5:132,587,632, plus strand): 5'-AAGAAATTGAACATAATCTCTCTAAAATAATGAAACTTGACAATGAAATTAAAGCCTTGG[A>C]TAGCCGAAAGAAGCAAATGGAGAAAGATAATAGTGAACTGGAAGAGAAAATGGAAAAGGT-3'
Protein context (NP_005723.2, residues 266-286): MKLDNEIKAL[Asp276Ala]SRKKQMEKDN